The following is an entry in ClinVar:

ClinVar aggregate classification (germline): Likely benign. Review status: criteria provided, multiple submitters, no conflicts (2 of 4 stars). 2 submissions from 2 submitters: Likely benign (2). Last evaluated 2026-08-01.

Allele frequency attached by ClinVar (database versions not stated): TOPMed below 0.00001.
gnomAD v4.1: 6 of 1,614,070 alleles (0.00037%); highest among the groups gnomAD compares: Admixed American, 0.01%; no homozygotes.

Submissions (2):

CeGaT Center for Human Genetics Tuebingen
Classification: Likely benign. Last evaluated: 2026-08-01. Review status: criteria provided, single submitter. Criteria: CeGaT Center For Human Genetics Tuebingen Variant Classification Criteria Version 2. Collection method: clinical testing. Allele origin: germline. Affected: yes. Observed: 1 variant allele.
Comment: VLDLR: BP4, BP7

Labcorp Genetics (formerly Invitae), Labcorp
Classification: Likely benign. Last evaluated: 2023-12-30. Review status: criteria provided, single submitter. Criteria: Invitae Variant Classification Sherloc (09022015). Collection method: clinical testing. Allele origin: germline.

NM_003383.5(VLDLR):c.1056G>A (p.Leu352=)

Gene: VLDLR (very low density lipoprotein receptor; plus strand). Cytogenetic location: 9p24.2.
Variant type: single nucleotide variant.
Coding change: c.1056G>A on transcript NM_003383.5 (MANE Select); coding-DNA position 1056, G replaced by A.
Protein change: p.Leu352=; no amino-acid change (leucine 352 retained).
Molecular consequence: synonymous variant.
Genome position (GRCh38, 1-based): chr9:2,643,949, G>A. VCF-style: chr9-2643949-G-A. GRCh37 (hg19) VCF-style: chr9-2643949-G-A.
Other names: c.1056G>A, p.Leu352= (NM_001018056.3); c.933G>A, p.Leu311= (NM_001322225.2, NM_001322226.2).
Identifiers: ClinVar variation 3015335 (VCV003015335.4), dbSNP rs769934852, ClinGen allele CA4964714.